The following is an entry in ClinVar:

ClinVar aggregate classification (germline): Uncertain significance (1 of 4 stars; one submission).

Conditions:
Spastic paraplegia. Identifiers: MedGen C0037772, HP:0001258.

Allele frequency attached by ClinVar (database versions not stated): gnomAD exomes below 0.00001; ExAC 0.00001; gnomAD 0.00001; TOPMed 0.00001.
gnomAD v4.1: 5 of 1,614,054 alleles (0.00031%); highest among the groups gnomAD compares: African/African-American, 0.004%; no homozygotes.

Submission:

Labcorp Genetics (formerly Invitae), Labcorp
Classification: Uncertain significance for Spastic paraplegia. Last evaluated: 2023-10-03. Review status: criteria provided, single submitter. Criteria: Invitae Variant Classification Sherloc (09022015). Collection method: clinical testing. Allele origin: germline.
Comment: This sequence change replaces glycine, which is neutral and non-polar, with arginine, which is basic and polar, at codon 27 of the ZFYVE26 protein (p.Gly27Arg). This variant is present in population databases (rs756912219, gnomAD 0.006%). This variant has not been reported in the literature in individuals affected with ZFYVE26-related conditions. ClinVar contains an entry for this variant (Variation ID: 947140). An algorithm developed to predict the effect of missense changes on protein structure and function (PolyPhen-2) suggests that this variant is likely to be disruptive. In summary, the available evidence is currently insufficient to determine the role of this variant in disease. Therefore, it has been classified as a Variant of Uncertain Significance.

NM_015346.4(ZFYVE26):c.79G>A (p.Gly27Arg)

Gene: ZFYVE26 (zinc finger FYVE-type containing 26; minus strand). Cytogenetic location: 14q24.1.
Variant type: single nucleotide variant.
Coding change: c.79G>A on transcript NM_015346.4 (MANE Select); coding-DNA position 79, G replaced by A.
Protein change: p.Gly27Arg; replaces glycine 27 with arginine.
Molecular consequence: missense variant.
Genome position (GRCh38, 1-based): chr14:67,815,885, C>T on the plus strand (G>A on the coding strand, the complement: ZFYVE26 is on the minus strand). VCF-style: chr14-67815885-C-T. GRCh37 (hg19) VCF-style: chr14-68282602-C-T.
Other names: short protein forms G27R.
Identifiers: ClinVar variation 947140 (VCV000947140.9), dbSNP rs756912219, ClinGen allele CA7240896.
Genomic context (GRCh38, chr14:67,815,885, plus strand): 5'-GGATATCCCCTTGTCCCTCCTGTAGCTGAGGTACACATGCCTGTGCCAGCTCCCATTCTC[C>T]CCTCCGCAGGCATTCGCAGAAAAATCCAAAAAGCTGCTTCTGCGAAGCAGCTTCCTCTTT-3'
Protein context (NP_056161.2, residues 17-37): FGFFCECLRR[Gly27Arg]EWELAQACVP